The following is an entry in ClinVar:

NM_001875.5(CPS1):c.3210G>C (p.Lys1070Asn)

Gene: CPS1 (carbamoyl-phosphate synthase 1; plus strand). Cytogenetic location: 2q34.
Variant type: single nucleotide variant.
Coding change: c.3210G>C on transcript NM_001875.5 (MANE Select); coding-DNA position 3210, G replaced by C.
Protein change: p.Lys1070Asn; replaces lysine 1070 with asparagine.
Molecular consequence: missense variant. On other transcripts: non-coding transcript variant (2).
Genome position (GRCh38, 1-based): chr2:210,647,931, G>C. VCF-style: chr2-210647931-G-C. GRCh37 (hg19) VCF-style: chr2-211512655-G-C.
Other names: c.3210G>C, p.Lys1070Asn (NM_001122633.3, NM_001369257.1); c.3243G>C, p.Lys1081Asn (NM_001369256.1); short protein forms K1081N, K1070N.
Identifiers: ClinVar variation 3076848 (VCV003076848.2), dbSNP rs1406035411, ClinGen allele CA350435904.

ClinVar aggregate classification (germline): Uncertain significance. Review status: criteria provided, multiple submitters, no conflicts (2 of 4 stars). 2 submissions from 2 submitters: Uncertain significance (2). Last evaluated 2025-09-09.

Conditions:
Congenital hyperammonemia, type I. Also called: CPS I DEFICIENCY; Carbamoyl phosphate synthetase 1 deficiency; Hyperammonemia due to carbamoyl phosphate synthetase 1 deficiency; CPS 1 deficiency; Carbamyl phosphate synthetase (CPS) deficiency; Carbamoyl phosphate synthetase I deficiency disease. Identifiers: Orphanet 147, MedGen C4082171, MONDO:0009376, OMIM 237300.
Inborn genetic diseases. Identifiers: MedGen C0950123, MeSH D030342.

Allele frequency attached by ClinVar (database versions not stated): TOPMed 0.00001.
gnomAD v4.1: 22 of 1,614,054 alleles (0.0014%); highest among the groups gnomAD compares: Non-Finnish European, 0.0018%; no homozygotes.

Submissions (2):

Labcorp Genetics (formerly Invitae), Labcorp
Classification: Uncertain significance for Congenital hyperammonemia, type I. Last evaluated: 2025-09-09. Review status: criteria provided, single submitter. Criteria: Invitae Variant Classification Sherloc (09022015). Collection method: clinical testing. Allele origin: germline.
Comment: This sequence change replaces lysine, which is basic and polar, with asparagine, which is neutral and polar, at codon 1070 of the CPS1 protein (p.Lys1070Asn). This variant is present in population databases (no rsID available, gnomAD 0.003%). This variant has not been reported in the literature in individuals affected with CPS1-related conditions. ClinVar contains an entry for this variant (Variation ID: 3076848). Invitae Evidence Modeling of protein sequence and biophysical properties (such as structural, functional, and spatial information, amino acid conservation, physicochemical variation, residue mobility, and thermodynamic stability) indicates that this missense variant is not expected to disrupt CPS1 protein function with a negative predictive value of 95%. In summary, the available evidence is currently insufficient to determine the role of this variant in disease. Therefore, it has been classified as a Variant of Uncertain Significance.

Ambry Genetics
Classification: Uncertain significance for Inborn genetic diseases. Last evaluated: 2023-11-28. Review status: criteria provided, single submitter. Criteria: Ambry Variant Classification Scheme 2023. Collection method: clinical testing. Allele origin: germline.